The following is an entry in ClinVar:

NM_001082971.2(DDC):c.195G>A (p.Met65Ile)

Gene: DDC (dopa decarboxylase; minus strand). Cytogenetic location: 7p12.1.
Variant type: single nucleotide variant.
Coding change: c.195G>A on transcript NM_001082971.2 (MANE Select); coding-DNA position 195, G replaced by A.
Protein change: p.Met65Ile; replaces methionine 65 with isoleucine.
Molecular consequence: missense variant.
Genome position (GRCh38, 1-based): chr7:50,543,891, C>T on the plus strand (G>A on the coding strand, the complement: DDC is on the minus strand). VCF-style: chr7-50543891-C-T. GRCh37 (hg19) VCF-style: chr7-50611589-C-T.
Other names: c.195G>A, p.Met65Ile (NM_000790.4, NM_001242886.2, NM_001242887.2 and 3 more transcripts); short protein forms M65I.
Identifiers: ClinVar variation 2419772 (VCV002419772.4), dbSNP rs1331036250, ClinGen allele CA367531269.

ClinVar aggregate classification (germline): Uncertain significance (1 of 4 stars; one submission).

Conditions:
Deficiency of aromatic-L-amino-acid decarboxylase. Also called: AADC DEFICIENCY; DDC DEFICIENCY; DOPA DECARBOXYLASE DEFICIENCY; Aromatic L-Amino Acid Decarboxylase Deficiency; Aromatic amino acid decarboxylase deficiency. Identifiers: Orphanet 35708, MedGen C1291564, MONDO:0012084, OMIM 608643.

Allele frequency attached by ClinVar (database versions not stated): TOPMed below 0.00001; gnomAD 0.00001.

Submission:

Labcorp Genetics (formerly Invitae), Labcorp
Classification: Uncertain significance for Deficiency of aromatic-L-amino-acid decarboxylase. Last evaluated: 2022-08-13. Review status: criteria provided, single submitter. Criteria: Invitae Variant Classification Sherloc (09022015). Collection method: clinical testing. Allele origin: germline.
Comment: This sequence change replaces methionine, which is neutral and non-polar, with isoleucine, which is neutral and non-polar, at codon 65 of the DDC protein (p.Met65Ile). This variant is present in population databases (no rsID available, gnomAD 0.007%). This variant has not been reported in the literature in individuals affected with DDC-related conditions. Algorithms developed to predict the effect of missense changes on protein structure and function are either unavailable or do not agree on the potential impact of this missense change (SIFT: "Deleterious"; PolyPhen-2: "Probably Damaging"; Align-GVGD: "Class C0"). In summary, the available evidence is currently insufficient to determine the role of this variant in disease. Therefore, it has been classified as a Variant of Uncertain Significance.